The following is an entry in ClinVar:

ClinVar aggregate classification (germline): Uncertain significance. Review status: criteria provided, multiple submitters, no conflicts (2 of 4 stars). 2 submissions from 2 submitters: Uncertain significance (2). Last evaluated 2026-01-12.

Conditions:
Neuropathy, hereditary sensory, type 2C. Also called: Hereditary sensory and autonomic neuropathy type IIC; KIF1A-Related HSAN2 (HSAN2C). Identifiers: Orphanet 970, MedGen C3280168, MONDO:0013634, OMIM 614213.
Hereditary spastic paraplegia 30. Identifiers: Orphanet 101010, MedGen C5235139, MONDO:0012476.
Intellectual disability, autosomal dominant 9 (NESCAVS). Also called: NESCAV SYNDROME; KIF1A-Related Neurodevelopmental Disorder. Identifiers: Orphanet 662367, MedGen C5393830, MONDO:0013656, OMIM 614255.
Spastic paraplegia 30A, autosomal dominant. Identifiers: MedGen CN380650, MONDO:0700307, OMIM 610357.

Submissions (2):

Genetics and Molecular Pathology, SA Pathology
Classification: Uncertain significance for Spastic paraplegia 30A, autosomal dominant; Intellectual disability, autosomal dominant 9. Last evaluated: 2026-01-12. Review status: criteria provided, single submitter. Criteria: ACMG Guidelines, 2015. Collection method: clinical testing. Allele origin: germline. Affected: yes.

Labcorp Genetics (formerly Invitae), Labcorp
Classification: Uncertain significance for Hereditary spastic paraplegia 30; Neuropathy, hereditary sensory, type 2C; Intellectual disability, autosomal dominant 9. Last evaluated: 2023-08-20. Review status: criteria provided, single submitter. Criteria: Invitae Variant Classification Sherloc (09022015). Collection method: clinical testing. Allele origin: germline.
Comment: In summary, the available evidence is currently insufficient to determine the role of this variant in disease. Therefore, it has been classified as a Variant of Uncertain Significance. Advanced modeling of protein sequence and biophysical properties (such as structural, functional, and spatial information, amino acid conservation, physicochemical variation, residue mobility, and thermodynamic stability) has been performed at Invitae for this missense variant, however the output from this modeling did not meet the statistical confidence thresholds required to predict the impact of this variant on KIF1A protein function. This variant has not been reported in the literature in individuals affected with KIF1A-related conditions. This variant is not present in population databases (gnomAD no frequency). This sequence change replaces aspartic acid, which is acidic and polar, with valine, which is neutral and non-polar, at codon 765 of the KIF1A protein (p.Asp765Val).

NM_001244008.2(KIF1A):c.2321A>T (p.Asp774Val)

Gene: KIF1A (kinesin family member 1A; minus strand). Cytogenetic location: 2q37.3.
Variant type: single nucleotide variant.
Coding change: c.2321A>T on transcript NM_001244008.2 (MANE Select); coding-DNA position 2321, A replaced by T.
Protein change: p.Asp774Val; replaces aspartic acid 774 with valine.
Molecular consequence: missense variant.
Genome position (GRCh38, 1-based): chr2:240,760,788, T>A on the plus strand (A>T on the coding strand, the complement: KIF1A is on the minus strand). VCF-style: chr2-240760788-T-A. GRCh37 (hg19) VCF-style: chr2-241700205-T-A.
Other names: c.2321A>T, p.Asp774Val (NM_001320705.2, NM_001330289.2, NM_001379638.1); c.2396A>T, p.Asp799Val (NM_001330290.2, NM_001379631.1, NM_001379634.1 and 2 more transcripts); c.2294A>T, p.Asp765Val (NM_001379632.1, NM_001379633.1, NM_001379636.1 and 11 more transcripts); c.2369A>T, p.Asp790Val (NM_001379637.1, NM_001379648.1); short protein forms D774V, D790V, D799V, D765V.
Identifiers: ClinVar variation 2923458 (VCV002923458.4), dbSNP rs1240417985, ClinGen allele CA351324995.